The following is an entry in ClinVar:

ClinVar aggregate classification (germline): Uncertain significance. Review status: criteria provided, multiple submitters, no conflicts (2 of 4 stars). 3 submissions from 3 submitters: Uncertain significance (3). Last evaluated 2026-05-14.

Conditions:
MKKS-related disorder. Also called: MKKS-related condition; MKKS-related disorders.
McKusick-Kaufman syndrome (MKKS). Also called: HYDROMETROCOLPOS SYNDROME; HYDROMETROCOLPOS, POSTAXIAL POLYDACTYLY, AND CONGENITAL HEART MALFORMATION. Identifiers: Orphanet 2473, MedGen C0948368, MONDO:0009367, OMIM 236700.
Bardet-Biedl syndrome 6 (BBS6). Identifiers: Orphanet 110, MedGen C1858054, MONDO:0011523, OMIM 605231.
Bardet-Biedl syndrome (BBS). Identifiers: Orphanet 110, MedGen C0752166, MONDO:0015229.

Submissions (3):

PreventionGenetics, part of Exact Sciences
Classification: Uncertain significance for MKKS-related condition. Last evaluated: 2026-05-14. Review status: criteria provided, single submitter. Criteria: ACMG Guidelines, 2015. Collection method: clinical testing. Allele origin: germline.
Comment: The MKKS c.1447G>T variant is predicted to result in the amino acid substitution p.Asp483Tyr. To our knowledge, this variant has not been reported in the literature or in a large population database, indicating this variant is rare. At this time, the clinical significance of this variant is uncertain due to the absence of conclusive functional and genetic evidence.

Fulgent Genetics
Classification: Uncertain significance for McKusick-Kaufman syndrome; Bardet-Biedl syndrome 6. Last evaluated: 2024-01-16. Review status: criteria provided, single submitter. Criteria: ACMG Guidelines, 2015. Collection method: clinical testing. Allele origin: germline.

Labcorp Genetics (formerly Invitae), Labcorp
Classification: Uncertain significance for McKusick-Kaufman syndrome; Bardet-Biedl syndrome. Last evaluated: 2023-12-11. Review status: criteria provided, single submitter. Criteria: Invitae Variant Classification Sherloc (09022015). Collection method: clinical testing. Allele origin: germline.
Comment: This sequence change replaces aspartic acid, which is acidic and polar, with tyrosine, which is neutral and polar, at codon 483 of the MKKS protein (p.Asp483Tyr). This variant is not present in population databases (gnomAD no frequency). This variant has not been reported in the literature in individuals affected with MKKS-related conditions. ClinVar contains an entry for this variant (Variation ID: 1715738). Advanced modeling of protein sequence and biophysical properties (such as structural, functional, and spatial information, amino acid conservation, physicochemical variation, residue mobility, and thermodynamic stability) performed at Invitae indicates that this missense variant is not expected to disrupt MKKS protein function with a negative predictive value of 80%. In summary, the available evidence is currently insufficient to determine the role of this variant in disease. Therefore, it has been classified as a Variant of Uncertain Significance.

NM_170784.3(MKKS):c.1447G>T (p.Asp483Tyr)

Gene: MKKS (MKKS centrosomal shuttling protein; minus strand). Cytogenetic location: 20p12.2.
Variant type: single nucleotide variant.
Coding change: c.1447G>T on transcript NM_170784.3 (MANE Select); coding-DNA position 1447, G replaced by T.
Protein change: p.Asp483Tyr; replaces aspartic acid 483 with tyrosine.
Molecular consequence: missense variant. On other transcripts: non-coding transcript variant (1).
Genome position (GRCh38, 1-based): chr20:10,405,513, C>A on the plus strand (G>T on the coding strand, the complement: MKKS is on the minus strand). VCF-style: chr20-10405513-C-A. GRCh37 (hg19) VCF-style: chr20-10386161-C-A.
Other names: c.1447G>T, p.Asp483Tyr (NM_018848.3); short protein forms D483Y.
Identifiers: ClinVar variation 1715738 (VCV001715738.9), dbSNP rs2514486827, ClinGen allele CA408230878.